The following is an entry in ClinVar:

ClinVar aggregate classification (germline): Uncertain significance (1 of 4 stars; one submission).

Conditions:
Inborn genetic diseases. Identifiers: MedGen C0950123, MeSH D030342.

gnomAD v4.1: 13 of 1,614,024 alleles (0.00081%); highest among the groups gnomAD compares: Non-Finnish European, 0.0011%; no homozygotes.

Submission:

Ambry Genetics
Classification: Uncertain significance for Inborn genetic diseases. Last evaluated: 2025-03-10. Review status: criteria provided, single submitter. Criteria: Ambry Variant Classification Scheme 2023. Collection method: clinical testing. Allele origin: germline.
Comment: The p.P1319L variant (also known as c.3956C>T), located in coding exon 13 of the ASXL1 gene, results from a C to T substitution at nucleotide position 3956. The proline at codon 1319 is replaced by leucine, an amino acid with similar properties. This amino acid position is conserved. In addition, this alteration is predicted to be tolerated by in silico analysis. Based on the available evidence, the clinical significance of this variant remains unclear.

NM_015338.6(ASXL1):c.3956C>T (p.Pro1319Leu)

Gene: ASXL1 (ASXL transcriptional regulator 1; plus strand). Cytogenetic location: 20q11.21.
Variant type: single nucleotide variant.
Coding change: c.3956C>T on transcript NM_015338.6 (MANE Select); coding-DNA position 3956, C replaced by T.
Protein change: p.Pro1319Leu; replaces proline 1319 with leucine.
Molecular consequence: missense variant.
Genome position (GRCh38, 1-based): chr20:32,436,668, C>T. VCF-style: chr20-32436668-C-T. GRCh37 (hg19) VCF-style: chr20-31024471-C-T.
Other names: c.3773C>T, p.Pro1258Leu (NM_001363734.1); short protein forms P1258L, P1319L.
Identifiers: ClinVar variation 3794301 (VCV003794301.1).